The following is an entry in ClinVar:

NM_001388492.1(HTT):c.5816T>C (p.Phe1939Ser)

Gene: HTT (huntingtin; plus strand). Cytogenetic location: 4p16.3.
Variant type: single nucleotide variant.
Coding change: c.5816T>C on transcript NM_001388492.1 (MANE Select); coding-DNA position 5816, T replaced by C.
Protein change: p.Phe1939Ser; replaces phenylalanine 1939 with serine.
Molecular consequence: missense variant.
Genome position (GRCh38, 1-based): chr4:3,206,593, T>C. VCF-style: chr4-3206593-T-C. GRCh37 (hg19) VCF-style: chr4-3208320-T-C.
Other names: c.5822T>C, p.Phe1941Ser (NM_002111.8); short protein forms F1939S, F1941S.
Identifiers: ClinVar variation 4687566 (VCV004687566.1).
Genomic context (GRCh38, chr4:3,206,593, plus strand): 5'-TCATTGTAAATCACATTCAAGATCTGATCAGCCTTTCCCACGAGCCTCCAGTACAGGACT[T>C]CATCAGTGCCGTTCATCGGAACTCTGCTGCCAGCGGCCTGTTCATCCAGGCAATTCAGTC-3'
Protein context (NP_001375421.1, residues 1929-1949): SLSHEPPVQD[Phe1939Ser]ISAVHRNSAA

ClinVar aggregate classification (germline): Uncertain significance (1 of 4 stars; one submission).

Submission:

Women's Health and Genetics/Laboratory Corporation of America, LabCorp
Classification: Uncertain significance. Last evaluated: 2025-10-29. Review status: criteria provided, single submitter. Criteria: LabCorp Variant Classification Summary - May 2015. Collection method: clinical testing. Allele origin: germline.
Comment: Variant summary: HTT c.5816T>C (p.Phe1939Ser) results in a non-conservative amino acid change in the encoded protein sequence. Algorithms developed to predict the effect of missense changes on protein structure and function are either unavailable or do not agree on the potential impact of this missense change. The variant was absent in 249480 control chromosomes. The available data on variant occurrences in the general population are insufficient to allow any conclusion about variant significance. To our knowledge, no occurrence of c.5816T>C in individuals affected with HTT-related conditions and no experimental evidence demonstrating its impact on protein function have been reported. No submitters have cited clinical-significance assessments for this variant to ClinVar. Based on the evidence outlined above, the variant was classified as uncertain significance.